The following is an entry in ClinVar:

ClinVar aggregate classification (germline): Pathogenic (1 of 4 stars; one submission).

Conditions:
Fabry disease. Also called: ALPHA-GALACTOSIDASE A DEFICIENCY; ANDERSON-FABRY DISEASE; CERAMIDE TRIHEXOSIDASE DEFICIENCY; GLA DEFICIENCY; HEREDITARY DYSTOPIC LIPIDOSIS; Angiokeratoma corporis diffusum. Identifiers: Orphanet 324, MedGen C0002986, MONDO:0010526, OMIM 301500, HP:0001071. Disease mechanism: Fabry disease is due to inactivating mutations in the X-linked GLA gene resulting in deficiency of the enzyme Alpha Galactosidase-A., loss of function.

Submission:

Genomenon, Inc
Classification: Pathogenic for Fabry disease. Last evaluated: 2026-09-08. Review status: criteria provided, single submitter. Criteria: Genomenon Sequence Variant Interpretation Standards - Updated. Collection method: curation. Allele origin: germline. Affected: yes.
Comment: GLA p.Ala97ValfsTer24 (c.290del) is a frameshift variant that is predicted to introduce a premature termination codon and result in a truncated or absent protein product. This variant has been observed in at least one proband with clinical features consistent with Fabry disease (PMID:35971858). It is absent or not present at a significant frequency in gnomAD. In conclusion, we classify GLA p.Ala97ValfsTer24 (c.290del) as a pathogenic variant.

Literature cited by the submitters: PubMed 35971858.

NM_000169.3(GLA):c.290del (p.Ala97fs)

Genes: GLA (galactosidase alpha; minus strand), RPL36A-HNRNPH2 (RPL36A-HNRNPH2 readthrough; plus strand). Cytogenetic location: Xq22.1.
Variant type: Deletion.
Coding change: c.290del on transcript NM_000169.3 (MANE Select); coding-DNA position 290, one base deleted (C; older notation c.290delC).
Protein change: p.Ala97fs; shifts the reading frame from alanine 97.
Molecular consequence: frameshift variant. On other transcripts: non-coding transcript variant (3), intron variant (2).
Genome position (GRCh38, 1-based): chrX:101,403,890, G deleted on the plus strand (C on the coding strand, the reverse complement: GLA is on the minus strand). VCF-style (leftmost placement, unchanged base first): chrX-101403889-AG-A. GRCh37 (hg19) VCF-style: chrX-100658877-AG-A.
Other names: c.413del, p.Ala138fs (NM_001406747.1, NM_001406749.1); c.290del, p.Ala97fs (NM_001406748.1); c.301-8046del (NM_001199973.2); c.178-8046del (NM_001199974.2); short protein forms A138fs, A97fs.
Identifiers: ClinVar variation 4086939 (VCV004086939.2).